The following is an entry in ClinVar:

NM_006269.2(RP1):c.2090A>T (p.Asn697Ile)

Gene: RP1 (RP1 axonemal microtubule associated; plus strand). Cytogenetic location: 8q12.1.
Variant type: single nucleotide variant.
Coding change: c.2090A>T on transcript NM_006269.2 (MANE Select); coding-DNA position 2090, A replaced by T.
Protein change: p.Asn697Ile; replaces asparagine 697 with isoleucine.
Molecular consequence: missense variant. On other transcripts: intron variant (1).
Genome position (GRCh38, 1-based): chr8:54,625,972, A>T. VCF-style: chr8-54625972-A-T. GRCh37 (hg19) VCF-style: chr8-55538532-A-T.
Other names: c.787+3684A>T (NM_001375654.1); short protein forms N697I.
Identifiers: ClinVar variation 844150 (VCV000844150.11), dbSNP rs745553501, ClinGen allele CA4751476.

ClinVar aggregate classification (germline): Uncertain significance. Review status: criteria provided, multiple submitters, no conflicts (2 of 4 stars). 3 submissions from 3 submitters: Uncertain significance (3). Last evaluated 2026-06-20.

Conditions:
RP1-related disorder. Also called: RP1-related condition.
Inborn genetic diseases. Identifiers: MedGen C0950123, MeSH D030342.

Allele frequency attached by ClinVar (database versions not stated): ExAC 0.00001; gnomAD 0.00001; gnomAD exomes 0.00001 and 0.00002; TOPMed 0.00001.
gnomAD v4.1: 9 of 1,613,800 alleles (0.00056%); highest among the groups gnomAD compares: Admixed American, 0.013%; no homozygotes.

Submissions (3):

PreventionGenetics, part of Exact Sciences
Classification: Uncertain significance for RP1-related condition. Last evaluated: 2026-06-20. Review status: criteria provided, single submitter. Criteria: ACMG Guidelines, 2015. Collection method: clinical testing. Allele origin: germline.
Comment: The RP1 c.2090A>T variant is predicted to result in the amino acid substitution p.Asn697Ile. To our knowledge, this variant has not been reported in the literature. This variant is reported in 0.014% of alleles in individuals of Latino descent in gnomAD. At this time, the clinical significance of this variant is uncertain due to the absence of conclusive functional and genetic evidence.

Labcorp Genetics (formerly Invitae), Labcorp
Classification: Uncertain significance. Last evaluated: 2025-05-05. Review status: criteria provided, single submitter. Criteria: Invitae Variant Classification Sherloc (09022015). Collection method: clinical testing. Allele origin: germline.
Comment: This sequence change replaces asparagine, which is neutral and polar, with isoleucine, which is neutral and non-polar, at codon 697 of the RP1 protein (p.Asn697Ile). This variant is present in population databases (rs745553501, gnomAD 0.02%). This variant has not been reported in the literature in individuals affected with RP1-related conditions. ClinVar contains an entry for this variant (Variation ID: 844150). An algorithm developed to predict the effect of missense changes on protein structure and function outputs the following: PolyPhen-2: "Benign". The isoleucine amino acid residue is found in multiple mammalian species, which suggests that this missense change does not adversely affect protein function. In summary, the available evidence is currently insufficient to determine the role of this variant in disease. Therefore, it has been classified as a Variant of Uncertain Significance.

Ambry Genetics
Classification: Uncertain significance for Inborn genetic diseases. Last evaluated: 2022-07-26. Review status: criteria provided, single submitter. Criteria: Ambry Variant Classification Scheme 2023. Collection method: clinical testing. Allele origin: germline.